The following is an entry in ClinVar:

NM_012082.4(ZFPM2):c.334C>T (p.Arg112Ter)

Gene: ZFPM2 (zinc finger protein, FOG family member 2; plus strand). Cytogenetic location: 8q23.1.
Variant type: single nucleotide variant.
Coding change: c.334C>T on transcript NM_012082.4 (MANE Select); coding-DNA position 334, C replaced by T.
Protein change: p.Arg112Ter; replaces arginine 112 with a stop codon.
Molecular consequence: nonsense. On other transcripts: 5 prime UTR variant (1).
Genome position (GRCh38, 1-based): chr8:105,561,395, C>T. VCF-style: chr8-105561395-C-T. GRCh37 (hg19) VCF-style: chr8-106573623-C-T.
Other names: c.334C>T (NM_012082.3); c.175C>T, p.Arg59Ter (NM_001362836.2); c.-63C>T (NM_001362837.2); short protein forms R112*, R59*.
Identifiers: ClinVar variation 6129 (VCV000006129.8), dbSNP rs121908602, ClinGen allele CA117961.

ClinVar aggregate classification (germline): Pathogenic/Likely pathogenic. Review status: criteria provided, multiple submitters, no conflicts (2 of 4 stars). 3 submissions from 3 submitters: Pathogenic (1); Likely pathogenic (1). 1 of the submissions does not count toward it. Last evaluated 2026-09-12.

Conditions:
Diaphragmatic hernia 3 (DIH3). Identifiers: Orphanet 2140, MedGen C1857781, MONDO:0012431, OMIM 610187.

Allele frequency attached by ClinVar (database versions not stated): TOPMed below 0.00001; gnomAD 0.00001.

Submissions (3):

GeneDx
Classification: Pathogenic. Last evaluated: 2026-09-12. Review status: criteria provided, single submitter. Criteria: GeneDx Variant Classification Process June 2021. Collection method: clinical testing. Allele origin: germline.
Comment: Identified in a family with two fetuses with isolated congenital heart defects and a sibling with a total anomalous pulmonary venous return and an anterior diaphragm eventration who inherited the variant from the asymptomatic mother (PMID: 24769157); Nonsense variant predicted to result in protein truncation or nonsense mediated decay in a gene for which loss of function is a known mechanism of disease; Not observed at significant frequency in large population cohorts (gnomAD); This variant is associated with the following publications: (PMID: 25525159, 25447987, 16103912, 24769157)

Revvity Omics, Revvity
Classification: Likely pathogenic. Last evaluated: 2021-08-02. Review status: criteria provided, single submitter. Criteria: ACMG Guidelines, 2015. Collection method: clinical testing. Allele origin: germline.

OMIM
Classification: Pathogenic for DIAPHRAGMATIC HERNIA 3. Last evaluated: 2005-07-01. Review status: no assertion criteria provided. Collection method: literature only. Allele origin: germline. Not counted in ClinVar's aggregate classification.

Literature cited by the submitters: PubMed 16103912 (cited by OMIM); PubMed 24769157 (cited by OMIM).